The following is an entry in ClinVar:

NM_005670.4(EPM2A):c.394G>T (p.Ala132Ser)

Gene: EPM2A (EPM2A glucan phosphatase, laforin; minus strand). Cytogenetic location: 6q24.3.
Variant type: single nucleotide variant.
Coding change: c.394G>T on transcript NM_005670.4 (MANE Select); coding-DNA position 394, G replaced by T.
Protein change: p.Ala132Ser; replaces alanine 132 with serine.
Molecular consequence: missense variant. On other transcripts: 5 prime UTR variant (5), non-coding transcript variant (1).
Genome position (GRCh38, 1-based): chr6:145,686,204, C>A on the plus strand (G>T on the coding strand, the complement: EPM2A is on the minus strand). VCF-style: chr6-145686204-C-A. GRCh37 (hg19) VCF-style: chr6-146007340-C-A.
Other names: c.394G>T, p.Ala132Ser (NM_001018041.2, NM_001360057.2, NM_001368130.1); c.-21G>T (NM_001360064.2, NM_001360071.2, NM_001368131.1); c.-230G>T (NM_001368129.2, NM_001368132.1); short protein forms A132S.
Identifiers: ClinVar variation 1525516 (VCV001525516.6), dbSNP rs1054138980, ClinGen allele CA149189423.

ClinVar aggregate classification (germline): Uncertain significance (1 of 4 stars; one submission).

Conditions:
Progressive myoclonic epilepsy. Also called: Familial progressive myoclonic epilepsy; Myoclonus epilepsy; Progressive myoclonus epilepsy; Myoclonic Epilepsies, Progressive. Identifiers: Orphanet 308, Orphanet 98261, MedGen C0751778, MONDO:0020074.

Allele frequency attached by ClinVar (database versions not stated): TOPMed below 0.00001; gnomAD 0.00001; gnomAD exomes 0.00001.
gnomAD v4.1: 9 of 1,613,600 alleles (0.00056%); highest among the groups gnomAD compares: Non-Finnish European, 0.00076%; no homozygotes.

Submission:

Labcorp Genetics (formerly Invitae), Labcorp
Classification: Uncertain significance for Progressive myoclonic epilepsy. Last evaluated: 2021-10-14. Review status: criteria provided, single submitter. Criteria: Invitae Variant Classification Sherloc (09022015). Collection method: clinical testing. Allele origin: germline.
Comment: This sequence change replaces alanine with serine at codon 132 of the EPM2A protein (p.Ala132Ser). The alanine residue is moderately conserved and there is a moderate physicochemical difference between alanine and serine. In summary, the available evidence is currently insufficient to determine the role of this variant in disease. Therefore, it has been classified as a Variant of Uncertain Significance. Algorithms developed to predict the effect of missense changes on protein structure and function output the following: SIFT: "Tolerated"; PolyPhen-2: "Benign"; Align-GVGD: "Class C0". The serine amino acid residue is found in multiple mammalian species, which suggests that this missense change does not adversely affect protein function. This variant has not been reported in the literature in individuals affected with EPM2A-related conditions. This variant is not present in population databases (ExAC no frequency).